The following is an entry in ClinVar:

NM_001267550.2(TTN):c.106385A>G (p.Gln35462Arg)

Genes: TTN (titin; minus strand), TTN-AS1 (TTN antisense RNA 1; plus strand). Cytogenetic location: 2q31.2.
Variant type: single nucleotide variant.
Coding change: c.106385A>G on transcript NM_001267550.2 (MANE Select); coding-DNA position 106385, A replaced by G.
Protein change: p.Gln35462Arg; replaces glutamine 35462 with arginine.
Molecular consequence: missense variant.
Genome position (GRCh38, 1-based): chr2:178,530,106, T>C on the plus strand (A>G on the coding strand, the complement: TTN is on the minus strand). VCF-style: chr2-178530106-T-C. GRCh37 (hg19) VCF-style: chr2-179394833-T-C.
Other names: c.106385A>G (NM_001267550.1); c.101462A>G, p.Gln33821Arg (NM_001256850.1); c.79190A>G, p.Gln26397Arg (NM_003319.4); c.98681A>G, p.Gln32894Arg (NM_133378.4); c.79565A>G, p.Gln26522Arg (NM_133432.3); c.79766A>G, p.Gln26589Arg (NM_133437.4); short protein forms Q26397R, Q35462R, Q32894R, Q33821R, Q26522R, Q26589R.
Identifiers: ClinVar variation 1461209 (VCV001461209.7), dbSNP rs376392819, ClinGen allele CA60953073.
Genomic context (GRCh38, chr2:178,530,106, plus strand): 5'-GTCTTATGAATTTCTAAGAAGAACCCTCCCTTGTCTTCAGAGAGTTTATATTTACCTCCT[T>C]GTGTAATGGCCTGTAGAATGCAAATGATTTGTGTTTTAAAAAGTGATTTCATTTTAAGCT-3'
Protein context (NP_001254479.2, residues 35452-35472): IWTKDGKAIT[Gln35462Arg]GGKYKLSEDK

ClinVar aggregate classification (germline): Uncertain significance. Review status: criteria provided, multiple submitters, no conflicts (2 of 4 stars). 2 submissions from 2 submitters: Uncertain significance (2). Last evaluated 2025-11-11.

Conditions:
Dilated cardiomyopathy 1G (CMD1G). Identifiers: Orphanet 154, MedGen C1858763, MONDO:0011400, OMIM 604145.
Autosomal recessive limb-girdle muscular dystrophy type 2J (LGMDR10). Also called: Limb-girdle muscular dystrophy, type 2J; MUSCULAR DYSTROPHY, LIMB-GIRDLE, AUTOSOMAL RECESSIVE 10. Identifiers: Orphanet 140922, MedGen C1837342, MONDO:0012127, OMIM 608807.

Allele frequency attached by ClinVar (database versions not stated): gnomAD exomes below 0.00001; gnomAD 0.00004; ESP Exome Variant Server 0.00008.
gnomAD v4.1: 9 of 1,599,488 alleles (0.00056%); highest among the groups gnomAD compares: African/African-American, 0.011%; no homozygotes.

Submissions (2):

Labcorp Genetics (formerly Invitae), Labcorp
Classification: Uncertain significance for Dilated cardiomyopathy 1G; Autosomal recessive limb-girdle muscular dystrophy type 2J. Last evaluated: 2025-11-11. Review status: criteria provided, single submitter. Criteria: Invitae Variant Classification Sherloc (09022015). Collection method: clinical testing. Allele origin: germline.
Comment: This sequence change replaces glutamine, which is neutral and polar, with arginine, which is basic and polar, at codon 35462 of the TTN protein (p.Gln35462Arg). This variant is not present in population databases (gnomAD no frequency). This variant has not been reported in the literature in individuals affected with TTN-related conditions. ClinVar contains an entry for this variant (Variation ID: 1461209). Experimental studies and prediction algorithms are not available or were not evaluated, and the functional significance of this variant is currently unknown. This variant is located in the M band of TTN (PMID: 25589632). Non-truncating variants in this region may be relevant for neuromuscular disorders, but have not been definitively shown to cause cardiomyopathy (PMID: 23975875). This variant is located in the M band of TTN (PMID: 25589632). Non-truncating variants in this region may be relevant for neuromuscular disorders, but have not been definitively shown to cause cardiomyopathy (PMID: 23975875). In summary, the available evidence is currently insufficient to determine the role of this variant in disease. Therefore, it has been classified as a Variant of Uncertain Significance.

GeneDx
Classification: Uncertain significance. Last evaluated: 2024-07-09. Review status: criteria provided, single submitter. Criteria: GeneDx Variant Classification Process June 2021. Collection method: clinical testing. Allele origin: germline. Affected: yes.
Comment: Not observed at significant frequency in large population cohorts (gnomAD); Missense variant in a gene in which most reported pathogenic variants are truncating/loss of function; Has not been previously published as pathogenic or benign to our knowledge

Literature cited by the submitters: PubMed 25589632 (cited by Labcorp Genetics (formerly Invitae), Labcorp); PubMed 23975875 (cited by Labcorp Genetics (formerly Invitae), Labcorp).